The following is an entry in ClinVar:

ClinVar aggregate classification (germline): Uncertain significance (1 of 4 stars; one submission).

Conditions:
PURA-related severe neonatal hypotonia-seizures-encephalopathy syndrome (NEDRIHF). Also called: PURA-Related Neurodevelopmental Disorders; NEURODEVELOPMENTAL DISORDER WITH NEONATAL RESPIRATORY INSUFFICIENCY, HYPOTONIA, AND FEEDING DIFFICULTIES. Identifiers: Orphanet 438213, Orphanet 438216, MedGen C4015357, MONDO:1060108, OMIM 616158, MONDO:0018580.

Allele frequency attached by ClinVar (database versions not stated): gnomAD exomes 0.00001.
gnomAD v4.1: 1 of 1,471,972 alleles (0.000068%); no homozygotes.

Submission:

Labcorp Genetics (formerly Invitae), Labcorp
Classification: Uncertain significance for PURA-related severe neonatal hypotonia-seizures-encephalopathy syndrome. Last evaluated: 2019-07-01. Review status: criteria provided, single submitter. Criteria: Invitae Variant Classification Sherloc (09022015). Collection method: clinical testing. Allele origin: germline.
Comment: In summary, the available evidence is currently insufficient to determine the role of this variant in disease. Therefore, it has been classified as a Variant of Uncertain Significance. Algorithms developed to predict the effect of missense changes on protein structure and function are either unavailable or do not agree on the potential impact of this missense change (SIFT: "Deleterious"; PolyPhen-2: "Benign"; Align-GVGD: "Class C0"). This variant has not been reported in the literature in individuals with PURA-related conditions. This variant is present in population databases (rs763614822, ExAC 0.004%). This sequence change replaces glycine with glutamic acid at codon 52 of the PURA protein (p.Gly52Glu). The glycine residue is moderately conserved and there is a moderate physicochemical difference between glycine and glutamic acid.

NM_005859.5(PURA):c.155G>A (p.Gly52Glu)

Gene: PURA (purine rich element binding protein A; plus strand). Cytogenetic location: 5q31.3.
Variant type: single nucleotide variant.
Coding change: c.155G>A on transcript NM_005859.5 (MANE Select); coding-DNA position 155, G replaced by A.
Protein change: p.Gly52Glu; replaces glycine 52 with glutamic acid.
Molecular consequence: missense variant.
Genome position (GRCh38, 1-based): chr5:140,114,336, G>A. VCF-style: chr5-140114336-G-A. GRCh37 (hg19) VCF-style: chr5-139493921-G-A.
Other names: short protein forms G52E.
Identifiers: ClinVar variation 950701 (VCV000950701.10), dbSNP rs763614822, ClinGen allele CA3437428.